The following is an entry in ClinVar:

ClinVar aggregate classification (germline): Uncertain significance. Review status: criteria provided, multiple submitters, no conflicts (2 of 4 stars). 2 submissions from 2 submitters: Uncertain significance (2). Last evaluated 2022-07-06.

Conditions:
Multiple acyl-CoA dehydrogenase deficiency (MADD). Also called: Glutaric acidemia type II; GA 2; ETHYLMALONIC-ADIPICACIDURIA; GA II; Glutaric aciduria, type 2; Glutaric Acidemia type 2. Identifiers: Orphanet 26791, MedGen C0268596, MONDO:0009282, OMIM 231680.

Allele frequency attached by ClinVar (database versions not stated): gnomAD exomes below 0.00001; gnomAD 0.00001.
gnomAD v4.1: 3 of 1,614,152 alleles (0.00019%); highest among the groups gnomAD compares: Middle Eastern, 0.016%; no homozygotes.

Submissions (2):

Labcorp Genetics (formerly Invitae), Labcorp
Classification: Uncertain significance for Multiple acyl-CoA dehydrogenase deficiency. Last evaluated: 2022-07-06. Review status: criteria provided, single submitter. Criteria: Invitae Variant Classification Sherloc (09022015). Collection method: clinical testing. Allele origin: germline.
Comment: This sequence change replaces serine, which is neutral and polar, with cysteine, which is neutral and slightly polar, at codon 226 of the ETFB protein (p.Ser226Cys). This variant is not present in population databases (gnomAD no frequency). This variant has not been reported in the literature in individuals affected with ETFB-related conditions. ClinVar contains an entry for this variant (Variation ID: 1400020). Algorithms developed to predict the effect of missense changes on protein structure and function are either unavailable or do not agree on the potential impact of this missense change (SIFT: "Deleterious"; PolyPhen-2: "Benign"; Align-GVGD: "Class C15"). In summary, the available evidence is currently insufficient to determine the role of this variant in disease. Therefore, it has been classified as a Variant of Uncertain Significance.

Blueprint Genetics
Classification: Uncertain significance. Last evaluated: 2022-01-20. Review status: criteria provided, single submitter. Criteria: ACMG Guidelines, 2015. Collection method: clinical testing. Allele origin: germline.

NM_001985.3(ETFB):c.676A>T (p.Ser226Cys)

Gene: ETFB (electron transfer flavoprotein subunit beta; minus strand). Cytogenetic location: 19q13.41.
Variant type: single nucleotide variant.
Coding change: c.676A>T on transcript NM_001985.3 (MANE Select); coding-DNA position 676, A replaced by T.
Protein change: p.Ser226Cys; replaces serine 226 with cysteine.
Molecular consequence: missense variant.
Genome position (GRCh38, 1-based): chr19:51,345,303, T>A on the plus strand (A>T on the coding strand, the complement: ETFB is on the minus strand). VCF-style: chr19-51345303-T-A. GRCh37 (hg19) VCF-style: chr19-51848557-T-A.
Other names: c.949A>T, p.Ser317Cys (NM_001014763.1); short protein forms S317C, S226C.
Identifiers: ClinVar variation 1400020 (VCV001400020.4), dbSNP rs2123567525, ClinGen allele CA407080753.